The following is an entry in ClinVar:

ClinVar aggregate classification (germline): Likely benign (1 of 4 stars; one submission).

Conditions:
NRP2-related disorder. Also called: NRP2-related condition.

Submission:

PreventionGenetics, part of Exact Sciences
Classification: Likely benign for NRP2-related condition. Last evaluated: 2026-08-24. Review status: criteria provided, single submitter. Criteria: ACMG Guidelines, 2015. Collection method: clinical testing. Allele origin: germline.
Comment: This variant is classified as likely benign based on ACMG/AMP sequence variant interpretation guidelines (Richards et al. 2015 PMID: 25741868, with internal and published modifications).

NM_003872.3(NRP2):c.2109C>A (p.Ile703=)

Gene: NRP2 (neuropilin 2; plus strand). Cytogenetic location: 2q33.3.
Variant type: single nucleotide variant.
Coding change: c.2109C>A on transcript NM_003872.3 (MANE Select); coding-DNA position 2109, C replaced by A.
Protein change: p.Ile703=; no amino-acid change (isoleucine 703 retained).
Molecular consequence: synonymous variant.
Genome position (GRCh38, 1-based): chr2:205,763,738, C>A. VCF-style: chr2-205763738-C-A. GRCh37 (hg19) VCF-style: chr2-206628462-C-A.
Other names: c.2109C>A, p.Ile703= (NM_018534.4, NM_201266.2, NM_201267.2 and 1 more transcripts).
Identifiers: ClinVar variation 4990954 (VCV004990954.1).